The following is an entry in ClinVar:

NM_014141.6(CNTNAP2):c.847C>T (p.Arg283Cys)

Gene: CNTNAP2 (contactin associated protein 2; plus strand). Cytogenetic location: 7q35.
Variant type: single nucleotide variant.
Coding change: c.847C>T on transcript NM_014141.6 (MANE Select); coding-DNA position 847, C replaced by T.
Protein change: p.Arg283Cys; replaces arginine 283 with cysteine.
Molecular consequence: missense variant.
Genome position (GRCh38, 1-based): chr7:147,121,071, C>T. VCF-style: chr7-147121071-C-T. GRCh37 (hg19) VCF-style: chr7-146818163-C-T.
Other names: short protein forms R283C.
Identifiers: ClinVar variation 198204 (VCV000198204.15), dbSNP rs794727802, ClinGen allele CA246735.
Genomic context (GRCh38, chr7:147,121,071, plus strand): 5'-ACATCAGTGATGACAGGAAGTTTGCTGGATGACCACCACTGGCACTCTGTGGTCATTGAG[C>T]GCCAGGGGCGGAGCATTAACCTCACTCTGGACAGGAGCATGCAGCACTTCCGTACCAATG-3'
Protein context (NP_054860.1, residues 273-293): DHHWHSVVIE[Arg283Cys]QGRSINLTLD

ClinVar aggregate classification (germline): Uncertain significance. Review status: criteria provided, multiple submitters, no conflicts (2 of 4 stars). 2 submissions from 2 submitters: Uncertain significance (2). Last evaluated 2023-07-07.

Conditions:
Cortical dysplasia-focal epilepsy syndrome (PTHSL1). Also called: Pitt-Hopkins-like syndrome 1. Identifiers: Orphanet 163681, Orphanet 221150, MedGen C2750246, MONDO:0012400, OMIM 610042.

Allele frequency attached by ClinVar (database versions not stated): gnomAD exomes below 0.00001; gnomAD 0.00002; TOPMed 0.00002.
gnomAD v4.1: 9 of 1,613,906 alleles (0.00056%); highest among the groups gnomAD compares: Admixed American, 0.0017%; no homozygotes.

Submissions (2):

Labcorp Genetics (formerly Invitae), Labcorp
Classification: Uncertain significance for Cortical dysplasia-focal epilepsy syndrome. Last evaluated: 2023-07-07. Review status: criteria provided, single submitter. Criteria: Invitae Variant Classification Sherloc (09022015). Collection method: clinical testing. Allele origin: germline.
Comment: This sequence change replaces arginine, which is basic and polar, with cysteine, which is neutral and slightly polar, at codon 283 of the CNTNAP2 protein (p.Arg283Cys). This variant is present in population databases (rs794727802, gnomAD 0.002%). This variant has not been reported in the literature in individuals affected with CNTNAP2-related conditions. ClinVar contains an entry for this variant (Variation ID: 198204). An algorithm developed to predict the effect of missense changes on protein structure and function (PolyPhen-2) suggests that this variant is likely to be disruptive. In summary, the available evidence is currently insufficient to determine the role of this variant in disease. Therefore, it has been classified as a Variant of Uncertain Significance.

Eurofins Ntd Llc (ga)
Classification: Uncertain significance. Last evaluated: 2015-02-23. Review status: criteria provided, single submitter. Criteria: EGL Classification Definitions 2015. Collection method: clinical testing. Allele origin: germline. Observed: 1 variant allele, 1 heterozygote.